The following is an entry in ClinVar:

ClinVar aggregate classification (germline): Conflicting classifications of pathogenicity. Review status: criteria provided, conflicting classifications (1 of 4 stars). 3 submissions from 3 submitters: Uncertain significance (2); Likely benign (1). Last evaluated 2025-09-19.

Conditions:
Hereditary cancer-predisposing syndrome. Also called: Neoplastic Syndromes, Hereditary; Hereditary Cancer Syndrome; Tumor predisposition; Hereditary neoplastic syndrome. Identifiers: Orphanet 140162, MedGen C0027672, MeSH D009386, MONDO:0015356.
Hereditary breast ovarian cancer syndrome. Also called: Hereditary breast and ovarian cancer syndrome; Hereditary breast and ovarian cancer syndrome (HBOC); BRCA1- and BRCA2-Associated Hereditary Breast and Ovarian Cancer; Hereditary breast and ovarian cancer; Hereditary breast and/or ovarian cancer syndrome; Breast and ovarian cancer. Identifiers: Orphanet 145, MedGen C0677776, MeSH D061325, MONDO:0003582. Disease mechanism: loss of function.

Submissions (3):

Ambry Genetics
Classification: Uncertain significance for Hereditary cancer-predisposing syndrome. Last evaluated: 2025-09-19. Review status: criteria provided, single submitter. Criteria: Ambry Variant Classification Scheme 2023. Collection method: clinical testing. Allele origin: germline.
Comment: The p.K1919E variant (also known as c.5755A>G), located in coding exon 10 of the BRCA2 gene, results from an A to G substitution at nucleotide position 5755. The lysine at codon 1919 is replaced by glutamic acid, an amino acid with similar properties. This amino acid position is conserved. In addition, this alteration is predicted to be tolerated by in silico analysis. Based on the available evidence, the clinical significance of this variant remains unclear.

University of Washington Department of Laboratory Medicine, University of Washington
Classification: Likely benign for Hereditary cancer-predisposing syndrome. Last evaluated: 2023-03-23. Review status: criteria provided, single submitter. Criteria: Dines et al. (Genet Med. 2020). Collection method: curation. Allele origin: germline.
Comment: Missense variant in a coldspot region where missense variants are very unlikely to be pathogenic (PMID:31911673).

BRCA2 exon 11 coldspot. Reclassification based on statistical prior probability.

Labcorp Genetics (formerly Invitae), Labcorp
Classification: Uncertain significance for Hereditary breast ovarian cancer syndrome. Last evaluated: 2020-04-14. Review status: criteria provided, single submitter. Criteria: Invitae Variant Classification Sherloc (09022015). Collection method: clinical testing. Allele origin: germline.
Comment: In summary, the available evidence is currently insufficient to determine the role of this variant in disease. Therefore, it has been classified as a Variant of Uncertain Significance. This sequence change replaces lysine with glutamic acid at codon 1919 of the BRCA2 protein (p.Lys1919Glu). The lysine residue is weakly conserved and there is a small physicochemical difference between lysine and glutamic acid. Algorithms developed to predict the effect of missense changes on protein structure and function output the following: SIFT: "Tolerated"; PolyPhen-2: "Benign"; Align-GVGD: "Class C0". The glutamic acid amino acid residue is found in multiple mammalian species, suggesting that this missense change does not adversely affect protein function. These predictions have not been confirmed by published functional studies and their clinical significance is uncertain. This variant has not been reported in the literature in individuals with BRCA2-related conditions. This variant is not present in population databases (ExAC no frequency).

NM_000059.4(BRCA2):c.5755A>G (p.Lys1919Glu)

Gene: BRCA2 (BRCA2 DNA repair associated; plus strand). Cytogenetic location: 13q13.1.
Variant type: single nucleotide variant.
Coding change: c.5755A>G on transcript NM_000059.4 (MANE Select); coding-DNA position 5755, A replaced by G.
Protein change: p.Lys1919Glu; replaces lysine 1919 with glutamic acid.
Molecular consequence: missense variant.
Genome position (GRCh38, 1-based): chr13:32,340,110, A>G. VCF-style: chr13-32340110-A-G. GRCh37 (hg19) VCF-style: chr13-32914247-A-G.
Other names: c.5755A>G (NM_000059.3); short protein forms K1919E.
Identifiers: ClinVar variation 1037497 (VCV001037497.11), dbSNP rs2072537659, ClinGen allele CA387787041.